The following is an entry in ClinVar:

NM_005188.4(CBL):c.2074T>C (p.Cys692Arg)

Gene: CBL (Cbl proto-oncogene; plus strand). Cytogenetic location: 11q23.3.
Variant type: single nucleotide variant.
Coding change: c.2074T>C on transcript NM_005188.4 (MANE Select); coding-DNA position 2074, T replaced by C.
Protein change: p.Cys692Arg; replaces cysteine 692 with arginine.
Molecular consequence: missense variant.
Genome position (GRCh38, 1-based): chr11:119,296,955, T>C. VCF-style: chr11-119296955-T-C. GRCh37 (hg19) VCF-style: chr11-119167665-T-C.
Other names: short protein forms C692R.
Identifiers: ClinVar variation 4613820 (VCV004613820.1).

ClinVar aggregate classification (germline): Uncertain significance (1 of 4 stars; one submission).

Conditions:
Cardiovascular phenotype. Identifiers: MedGen CN230736.

gnomAD v4.1: 2 of 1,611,456 alleles (0.00012%); highest among the groups gnomAD compares: Non-Finnish European, 0.00017%; no homozygotes.

Submission:

Ambry Genetics
Classification: Uncertain significance for Cardiovascular phenotype. Last evaluated: 2025-09-25. Review status: criteria provided, single submitter. Criteria: Ambry Variant Classification Scheme 2023. Collection method: clinical testing. Allele origin: germline.
Comment: The p.C692R variant (also known as c.2074T>C), located in coding exon 13 of the CBL gene, results from a T to C substitution at nucleotide position 2074. The cysteine at codon 692 is replaced by arginine, an amino acid with highly dissimilar properties. This amino acid position is conserved. In addition, this alteration is predicted to be tolerated by in silico analysis. Based on the available evidence, the clinical significance of this variant remains unclear.